The following is an entry in ClinVar:

ClinVar aggregate classification (germline): Pathogenic (1 of 4 stars; one submission).

Submission:

Quest Diagnostics Nichols Institute San Juan Capistrano
Classification: Pathogenic. Last evaluated: 2025-06-12. Review status: criteria provided, single submitter. Criteria: ACMG/ClinGen CNV Guidelines, 2019. Collection method: clinical testing. Allele origin: unknown.
Comment: The copy number loss of 2q13 involves multiple protein-coding genes. The recurrent 2q13 deletion interval (LCR A-D region; ISCA-37496) has been associated with variable phenotypes (Aarabi 2022, Wolfe 2018, Hladilkova 2015, Yu 2012, Cooper 2011). Multiple genes within this interval have been proposed as candidate genes for associated phenotypes (Russell 2014, Digilio 2022). This deletion is significantly enriched in cases compared to controls (Coe 2014). However, inheritance from an unaffected or mildly affected parent has been documented, indicating reduced penetrance and variable expressivity, and there are multiple similar copy number losses of this region in the general populations of the Database of Genomic Variants. Therefore, this copy number variant (CNV) is classified as pathogenic with reduced penetrance and variable expressivity. References: Aarabi et al., Psychiatr Genet. 2022 Oct 1;32(5):171-177. PMID: 35837682 Coe et al., Nat Genet. 2014 Oct;46(10):1063-71. PMID: 25217958 Cooper et al., Nat Genet. 2011 Aug 14;43(9):838-46. PMID: 21841781 Digilio et al., Eur J Med Genet. 2022 Jan;65(1):104381. PMID: 34763108 Hladilkova et al., Mol Cytogenet. 2015 Jul 31;8:57. PMID: 26236398 Russell et al., Hum Mol Genet. 2014 Aug 15;23(16):4272-84. PMID: 24694933 Wolfe et al., Am J Med Genet B Neuropsychiatr Genet. 2018 Jun;177(4):397-405. PMID: 29603867 Yu et al., Clin Genet. 2012 Mar;81(3):257-64. PMID: 21255006

GRCh37/hg19 2q13(chr2:111366256-113127751)x1

Genes: BUB1 (BUB1 mitotic checkpoint serine/threonine kinase; minus strand), FBLN7 (fibulin 7; plus strand), MERTK (MER proto-oncogene, tyrosine kinase; plus strand), RGPD8 (RANBP2 like and GRIP domain containing 8; minus strand), TMEM87B (transmembrane protein 87B; plus strand) and 5 more. Cytogenetic location: 2q13.
Variant type: copy number loss.
Change: copy number 1 (one copy instead of two) of chr2:111,366,256-113,127,751 (1.76 Mb, GRCh37 coordinates, 1-based), cytogenetic band 2q13.
Identifiers: ClinVar variation 1808718 (VCV001808718.2).